The following is an entry in ClinVar:

ClinVar aggregate classification (germline): Pathogenic (1 of 4 stars; one submission).

Conditions:
Mucopolysaccharidosis type 6 (MPS6). Also called: ARSB DEFICIENCY; ARYLSULFATASE B DEFICIENCY; MPS 6; Maroteaux Lamy syndrome; N-ACETYLGALACTOSAMINE-4-SULFATASE DEFICIENCY; MPS VI. Identifiers: Orphanet 583, MedGen C0026709, MONDO:0009661, OMIM 253200.

Submission:

MVZ Medizinische Genetik Mainz
Classification: Pathogenic for Mucopolysaccharidosis type 6. Last evaluated: 2024-09-26. Review status: criteria provided, single submitter. Criteria: UK Practice Guidelines For Variant Classification V4 01 2020. Collection method: clinical testing. Allele origin: germline. Inheritance: Autosomal recessive inheritance. Affected: yes. Observed: 1 variant allele.
Comment: ACMG Criteria: PVS1,PM2_SUP,PM3_SUP

NM_000046.5(ARSB):c.1021_1022insT (p.Gly341fs)

Gene: ARSB (arylsulfatase B; minus strand). Cytogenetic location: 5q14.1.
Variant type: Insertion.
Coding change: c.1021_1022insT on transcript NM_000046.5 (MANE Select); coding-DNA positions 1021 to 1022, T inserted.
Protein change: p.Gly341fs; shifts the reading frame from glycine 341.
Molecular consequence: frameshift variant.
Genome position: GRCh38 VCF-style: chr5-78885704-C-CA. GRCh37 (hg19) VCF-style: chr5-78181527-C-CA.
Other names: c.1021_1022insT, p.Gly341fs (NM_198709.3); short protein forms G341fs.
Identifiers: ClinVar variation 3370356 (VCV003370356.1).